The following is an entry in ClinVar:

ClinVar aggregate classification (germline): Uncertain significance (1 of 4 stars; one submission).

Conditions:
Asphyxiating thoracic dystrophy 5 (SRTD5). Also called: SHORT-RIB THORACIC DYSPLASIA 5 WITH OR WITHOUT POLYDACTYLY; SHORT-RIB THORACIC DYSPLASIA 5 WITHOUT POLYDACTYLY. Identifiers: Orphanet 474, MedGen C3280598, MONDO:0013717, OMIM 614376.
Senior-Loken syndrome 8 (SLSN8). Identifiers: Orphanet 3156, MedGen C4225376, MONDO:0014579, OMIM 616307.

Submission:

Labcorp Genetics (formerly Invitae), Labcorp
Classification: Uncertain significance for Senior-Loken syndrome 8; Asphyxiating thoracic dystrophy 5. Last evaluated: 2022-08-21. Review status: criteria provided, single submitter. Criteria: Invitae Variant Classification Sherloc (09022015). Collection method: clinical testing. Allele origin: germline.
Comment: This sequence change replaces proline, which is neutral and non-polar, with histidine, which is basic and polar, at codon 514 of the WDR19 protein (p.Pro514His). This variant is not present in population databases (gnomAD no frequency). This variant has not been reported in the literature in individuals affected with WDR19-related conditions. Algorithms developed to predict the effect of missense changes on protein structure and function (SIFT, PolyPhen-2, Align-GVGD) all suggest that this variant is likely to be tolerated. In summary, the available evidence is currently insufficient to determine the role of this variant in disease. Therefore, it has been classified as a Variant of Uncertain Significance.

NM_025132.4(WDR19):c.1541C>A (p.Pro514His)

Gene: WDR19 (WD repeat domain 19; plus strand). Cytogenetic location: 4p14.
Variant type: single nucleotide variant.
Coding change: c.1541C>A on transcript NM_025132.4 (MANE Select); coding-DNA position 1541, C replaced by A.
Protein change: p.Pro514His; replaces proline 514 with histidine.
Molecular consequence: missense variant.
Genome position (GRCh38, 1-based): chr4:39,224,945, C>A. VCF-style: chr4-39224945-C-A. GRCh37 (hg19) VCF-style: chr4-39226565-C-A.
Other names: c.1061C>A, p.Pro354His (NM_001317924.2); short protein forms P354H, P514H.
Identifiers: ClinVar variation 1717328 (VCV001717328.5), dbSNP rs757229123, ClinGen allele CA356632056.